The following is an entry in ClinVar:

ClinVar aggregate classification (germline): Uncertain significance (1 of 4 stars; one submission).

Conditions:
Neuronal ceroid lipofuscinosis. Also called: Neuronal Ceroid Lipofuscinoses. Identifiers: Orphanet 216, Orphanet 79263, MedGen C0027877, MONDO:0016295. Disease mechanism: loss of function.

Submission:

Labcorp Genetics (formerly Invitae), Labcorp
Classification: Uncertain significance for Neuronal ceroid lipofuscinosis. Last evaluated: 2024-03-07. Review status: criteria provided, single submitter. Criteria: Invitae Variant Classification Sherloc (09022015). Collection method: clinical testing. Allele origin: germline.
Comment: This sequence change replaces alanine, which is neutral and non-polar, with threonine, which is neutral and polar, at codon 80 of the CLN5 protein (p.Ala80Thr). This variant is not present in population databases (gnomAD no frequency). This variant has not been reported in the literature in individuals affected with CLN5-related conditions. Advanced modeling of protein sequence and biophysical properties (such as structural, functional, and spatial information, amino acid conservation, physicochemical variation, residue mobility, and thermodynamic stability) performed at Invitae indicates that this missense variant is not expected to disrupt CLN5 protein function with a negative predictive value of 80%. In summary, the available evidence is currently insufficient to determine the role of this variant in disease. Therefore, it has been classified as a Variant of Uncertain Significance.

NM_006493.4(CLN5):c.91G>A (p.Ala31Thr)

Genes: CLN5 (CLN5 lysosomal BMP synthase; plus strand), LOC130009913 (ATAC-STARR-seq lymphoblastoid silent region 5414; plus strand). Cytogenetic location: 13q22.3.
Variant type: single nucleotide variant.
Coding change: c.91G>A on transcript NM_006493.4 (MANE Select); coding-DNA position 91, G replaced by A.
Protein change: p.Ala31Thr; replaces alanine 31 with threonine.
Molecular consequence: missense variant.
Genome position (GRCh38, 1-based): chr13:76,992,189, G>A. VCF-style: chr13-76992189-G-A. GRCh37 (hg19) VCF-style: chr13-77566324-G-A.
Other names: c.91G>A, p.Ala31Thr (NM_001366624.2); short protein forms A31T, A80T.
Identifiers: ClinVar variation 3608089 (VCV003608089.2).